The following is an entry in ClinVar:

ClinVar aggregate classification (germline): Likely pathogenic (1 of 4 stars; one submission).

Conditions:
Ehlers-Danlos syndrome, type 4 (EDSVASC). Also called: Ehlers-Danlos syndrome vascular type; Ehlers Danlos syndrome, ecchymotic type; Ehlers Danlos syndrome, arterial type; Ehlers Danlos syndrome, Sack-Barabas type; Ehlers-Danlos Syndrome Type IV. Identifiers: Orphanet 286, MedGen C0268338, MONDO:0017314, OMIM 130050.

Submission:

Labcorp Genetics (formerly Invitae), Labcorp
Classification: Likely pathogenic for Ehlers-Danlos syndrome, type 4. Last evaluated: 2024-12-02. Review status: criteria provided, single submitter. Criteria: Invitae Variant Classification Sherloc (09022015). Collection method: clinical testing. Allele origin: germline.
Comment: This variant results in the deletion of part of exon 30 (c.2119_2121+11del) of the COL3A1 gene. It is expected to disrupt RNA splicing. Variants that disrupt the donor or acceptor splice site typically lead to a loss of protein function (PMID: 16199547), and loss-of-function variants in COL3A1 are known to be pathogenic (PMID: 24922459). This variant is not present in population databases (gnomAD no frequency). This variant has been observed in individual(s) with clinical features of COL3A1-related conditions (internal data). ClinVar contains an entry for this variant (Variation ID: 1067585). In summary, the currently available evidence indicates that the variant is pathogenic, but additional data are needed to prove that conclusively. Therefore, this variant has been classified as Likely Pathogenic.

Literature cited by the submitters: PubMed 16199547; PubMed 24922459.

NM_000090.4(COL3A1):c.2119_2121+11del

Gene: COL3A1 (collagen type III alpha 1 chain; plus strand). Cytogenetic location: 2q32.2.
Variant type: Deletion.
Coding change: c.2119_2121+11del on transcript NM_000090.4 (MANE Select); coding-DNA position 2119 through 11 bases into the intron after coding-DNA position 2121, 14 bases deleted (AAGGTAACTCCACA).
Molecular consequence: splice donor variant.
Genome position (GRCh38, 1-based): chr2:188,999,381-188,999,394, AAGGTAACTCCACA deleted; deleting any 14 consecutive bases within chr2:188,999,380-188,999,394 gives the same sequence; the c. name uses the placement nearest the transcript's 3' end. VCF-style (leftmost placement, unchanged base first): chr2-188999379-GAAAGGTAACTCCAC-G. GRCh37 (hg19) VCF-style: chr2-189864105-GAAAGGTAACTCCAC-G.
Identifiers: ClinVar variation 1067585 (VCV001067585.7), dbSNP rs2153503009, ClinGen allele CA2499215534.
Genomic context (GRCh38, chr2:188,999,379, plus strand): 5'-CTGGATTGGCAGGGGCCCCAGGACTTAGAGGTGGAGCTGGTCCCCCTGGTCCCGAAGGAG[GAAAGGTAACTCCAC>G]AGCATTCCATTCACCTAGGTTTAAAAAATGCATTTGATTTCCTTCTGATCATTTATTATT-3'